The following is an entry in ClinVar:

NM_017934.7(PHIP):c.2021C>T (p.Ser674Phe)

Gene: PHIP (PHIP subunit of CUL4-Ring ligase complex; minus strand). Cytogenetic location: 6q14.1.
Variant type: single nucleotide variant.
Coding change: c.2021C>T on transcript NM_017934.7 (MANE Select); coding-DNA position 2021, C replaced by T.
Protein change: p.Ser674Phe; replaces serine 674 with phenylalanine.
Molecular consequence: missense variant.
Genome position (GRCh38, 1-based): chr6:78,997,594, G>A on the plus strand (C>T on the coding strand, the complement: PHIP is on the minus strand). VCF-style: chr6-78997594-G-A. GRCh37 (hg19) VCF-style: chr6-79707311-G-A.
Other names: c.2021C>T (NM_017934.5); short protein forms S674F.
Identifiers: ClinVar variation 2628822 (VCV002628822.3), dbSNP rs1769703046, ClinGen allele CA364630598.

ClinVar aggregate classification (germline): Uncertain significance. Review status: criteria provided, multiple submitters, no conflicts (2 of 4 stars). 2 submissions from 2 submitters: Uncertain significance (2). Last evaluated 2025-02-13.

Conditions:
PHIP-related disorder. Also called: PHIP-related condition; PHIP-related disorders.
Inborn genetic diseases. Identifiers: MedGen C0950123, MeSH D030342.

gnomAD v4.1: 1 of 1,610,482 alleles (0.000062%); highest among the groups gnomAD compares: African/African-American, 0.0013%; no homozygotes.

Submissions (2):

PreventionGenetics, part of Exact Sciences
Classification: Uncertain significance for PHIP-related condition. Last evaluated: 2025-02-13. Review status: criteria provided, single submitter. Criteria: ACMG Guidelines, 2015. Collection method: clinical testing. Allele origin: germline.
Comment: The PHIP c.2021C>T variant is predicted to result in the amino acid substitution p.Ser674Phe. To our knowledge, this variant has not been reported in the literature or in a large population database (gnomAD), indicating this variant is rare. At this time, the clinical significance of this variant is uncertain due to the absence of conclusive functional and genetic evidence.

Ambry Genetics
Classification: Uncertain significance for Inborn genetic diseases. Last evaluated: 2023-11-09. Review status: criteria provided, single submitter. Criteria: Ambry Variant Classification Scheme 2023. Collection method: clinical testing. Allele origin: germline.